The following is an entry in ClinVar:

ClinVar aggregate classification (germline): Uncertain significance (1 of 4 stars; one submission).

Conditions:
Intellectual developmental disorder, autosomal dominant 6, with or without seizures. Also called: GRIN2B-related developmental delay, intellectual disability and autism spectrum disorder; Intellectual disability, autosomal dominant 6. Identifiers: Orphanet 589547, MedGen C3151411, MONDO:0013509, OMIM 613970.
Developmental and epileptic encephalopathy, 27 (DEE27). Also called: Epileptic encephalopathy, early infantile, 27; GRIN2B-Related Neurodevelopmental Disorder. Identifiers: Orphanet 3451, MedGen C4015316, MONDO:0014505, OMIM 616139.

Submission:

Labcorp Genetics (formerly Invitae), Labcorp
Classification: Uncertain significance for Developmental and epileptic encephalopathy, 27; Intellectual developmental disorder, autosomal dominant 6, with or without seizures. Last evaluated: 2024-01-05. Review status: criteria provided, single submitter. Criteria: Invitae Variant Classification Sherloc (09022015). Collection method: clinical testing. Allele origin: germline.
Comment: This sequence change replaces glycine, which is neutral and non-polar, with cysteine, which is neutral and slightly polar, at codon 1040 of the GRIN2B protein (p.Gly1040Cys). This variant is not present in population databases (gnomAD no frequency). This variant has not been reported in the literature in individuals affected with GRIN2B-related conditions. Advanced modeling of protein sequence and biophysical properties (such as structural, functional, and spatial information, amino acid conservation, physicochemical variation, residue mobility, and thermodynamic stability) has been performed at Invitae for this missense variant, however the output from this modeling did not meet the statistical confidence thresholds required to predict the impact of this variant on GRIN2B protein function. In summary, the available evidence is currently insufficient to determine the role of this variant in disease. Therefore, it has been classified as a Variant of Uncertain Significance.

NM_000834.5(GRIN2B):c.3118G>T (p.Gly1040Cys)

Gene: GRIN2B (glutamate ionotropic receptor NMDA type subunit 2B; minus strand). Cytogenetic location: 12p13.1.
Variant type: single nucleotide variant.
Coding change: c.3118G>T on transcript NM_000834.5 (MANE Select); coding-DNA position 3118, G replaced by T.
Protein change: p.Gly1040Cys; replaces glycine 1040 with cysteine.
Molecular consequence: missense variant.
Genome position (GRCh38, 1-based): chr12:13,564,120, C>A on the plus strand (G>T on the coding strand, the complement: GRIN2B is on the minus strand). VCF-style: chr12-13564120-C-A. GRCh37 (hg19) VCF-style: chr12-13717054-C-A.
Other names: c.3118G>T, p.Gly1040Cys (NM_001413992.1); short protein forms G1040C.
Identifiers: ClinVar variation 2921984 (VCV002921984.3), dbSNP rs202222002, ClinGen allele CA383990835.
Genomic context (GRCh38, chr12:13,564,120, plus strand): 5'-CATCGGAGCGGATCAAGTCGTCGTGGCCACTGTAGCGGTCGCTCTTGAAGGAGAATTTGC[C>A]GTACAGGTCACTGAGCTGGCTGTGCTTGGAGGAGGGGAGGCCGATGTCCAGGGGCTTCTT-3'
Protein context (NP_000825.2, residues 1030-1050): SKHSQLSDLY[Gly1040Cys]KFSFKSDRYS